The following is an entry in ClinVar:

ClinVar aggregate classification (germline): Uncertain significance (1 of 4 stars; one submission).

Submission:

GeneDx
Classification: Uncertain significance. Last evaluated: 2025-06-13. Review status: criteria provided, single submitter. Criteria: GeneDx Variant Classification Process June 2021. Collection method: clinical testing. Allele origin: germline. Affected: yes.
Comment: Not observed at significant frequency in large population cohorts (gnomAD); In silico analysis suggests that this missense variant does not alter protein structure/function; Has not been previously published as pathogenic or benign to our knowledge

NM_001292063.2(OTOG):c.2325C>A (p.Ser775Arg)

Gene: OTOG (otogelin; plus strand). Cytogenetic location: 11p15.1.
Variant type: single nucleotide variant.
Coding change: c.2325C>A on transcript NM_001292063.2 (MANE Select); coding-DNA position 2325, C replaced by A.
Protein change: p.Ser775Arg; replaces serine 775 with arginine.
Molecular consequence: missense variant.
Genome position (GRCh38, 1-based): chr11:17,574,751, C>A. VCF-style: chr11-17574751-C-A. GRCh37 (hg19) VCF-style: chr11-17596298-C-A.
Other names: c.2361C>A, p.Ser787Arg (NM_001277269.2); short protein forms S775R, S787R.
Identifiers: ClinVar variation 4537620 (VCV004537620.1).
Genomic context (GRCh38, chr11:17,574,751, plus strand): 5'-AAGCATGCACCACTCCCCCCTCACTGCAGCACTGTCCTGTGAGGCCTCCAAGGAGTATAG[C>A]CCCTGCGTGGCCCCGTGTGGACGTACCTGCCAGGACCTGGCCAGCCCTGAGGCCTGTGGG-3'
Protein context (NP_001278992.1, residues 765-785): ALSCEASKEY[Ser775Arg]PCVAPCGRTC